The following is an entry in ClinVar:

NM_000051.4(ATM):c.1053dup (p.Ile352fs)

Gene: ATM (ATM serine/threonine kinase; plus strand). Cytogenetic location: 11q22.3.
Variant type: Duplication.
Coding change: c.1053dup on transcript NM_000051.4 (MANE Select); coding-DNA position 1053, one base duplicated (T; older notation c.1053dupT).
Protein change: p.Ile352fs; shifts the reading frame from isoleucine 352.
Molecular consequence: frameshift variant.
Genome position (GRCh38, 1-based): chr11:108,247,115, T duplicated. VCF-style (leftmost placement, unchanged base first): chr11-108247114-A-AT. GRCh37 (hg19) VCF-style: chr11-108117841-A-AT.
Other names: c.1053dupT (NM_000051.3, NM_000051.4); c.1053dup, p.Ile352fs (NM_001351834.2); short protein forms I352fs.
Identifiers: ClinVar variation 141752 (VCV000141752.22), dbSNP rs587781984, ClinGen allele CA166301.

ClinVar aggregate classification (germline): Pathogenic. Review status: criteria provided, multiple submitters, no conflicts (2 of 4 stars). 7 submissions from 7 submitters: Pathogenic (7). Last evaluated 2025-10-17.

Conditions:
Hereditary cancer-predisposing syndrome. Also called: Neoplastic Syndromes, Hereditary; Hereditary Cancer Syndrome; Hereditary neoplastic syndrome; Tumor predisposition. Identifiers: Orphanet 140162, MedGen C0027672, MeSH D009386, MONDO:0015356.
Familial cancer of breast. Also called: Hereditary breast cancer; hereditary breast carcinoma; BREAST CANCER, FAMILIAL. Identifiers: Orphanet 227535, MedGen C0346153, MONDO:0016419, OMIM 114480. Disease mechanism: loss of function.
Ataxia-telangiectasia syndrome (AT). Also called: Cerebello-oculocutaneous telangiectasia; Immunodeficiency with ataxia telangiectasia; Ataxia-telangiectasia, complementation group D; AT, COMPLEMENTATION GROUP C; ATAXIA-TELANGIECTASIA, FRESNO VARIANT; ATAXIA-TELANGIECTASIA, COMPLEMENTATION GROUP A. Identifiers: Orphanet 100, MedGen C0004135, MONDO:0008840, OMIM 208900.

Submissions (7):

Ambry Genetics
Classification: Pathogenic for Hereditary cancer-predisposing syndrome. Last evaluated: 2025-10-17. Review status: criteria provided, single submitter. Criteria: Ambry Variant Classification Scheme 2023. Collection method: clinical testing. Allele origin: germline.
Comment: The c.1053dupT pathogenic mutation, located in coding exon 7 of the ATM gene, results from a duplication of T at nucleotide position 1053, causing a translational frameshift with a predicted alternate stop codon (p.I352Yfs*7). This variant is considered to be rare based on population cohorts in the Genome Aggregation Database (gnomAD). This alteration is expected to result in loss of function by premature protein truncation or nonsense-mediated mRNA decay. As such, this alteration is interpreted as a disease-causing mutation.

Labcorp Genetics (formerly Invitae), Labcorp
Classification: Pathogenic for Ataxia-telangiectasia syndrome. Last evaluated: 2024-10-16. Review status: criteria provided, single submitter. Criteria: Invitae Variant Classification Sherloc (09022015). Collection method: clinical testing. Allele origin: germline.
Comment: This sequence change creates a premature translational stop signal (p.Ile352Tyrfs*7) in the ATM gene. It is expected to result in an absent or disrupted protein product. Loss-of-function variants in ATM are known to be pathogenic (PMID: 23807571, 25614872). This variant is not present in population databases (gnomAD no frequency). This variant has not been reported in the literature in individuals affected with ATM-related conditions. ClinVar contains an entry for this variant (Variation ID: 141752). For these reasons, this variant has been classified as Pathogenic.

Women's Health and Genetics/Laboratory Corporation of America, LabCorp
Classification: Pathogenic for Ataxia-telangiectasia syndrome. Last evaluated: 2024-10-14. Review status: criteria provided, single submitter. Criteria: LabCorp Variant Classification Summary - May 2015. Collection method: clinical testing. Allele origin: germline.
Comment: Variant summary: ATM c.1053dupT (p.Ile352TyrfsX7) results in a premature termination codon, predicted to cause a truncation of the encoded protein or absence of the protein due to nonsense mediated decay, which are commonly known mechanisms for disease. The variant was absent in 251144 control chromosomes. To our knowledge, no occurrence of c.1053dupT in individuals affected with ATM-related conditions. ClinVar contains an entry for this variant (Variation ID: 141752). Based on the evidence outlined above, the variant was classified as pathogenic.

Myriad Genetics, Inc.
Classification: Pathogenic for Familial cancer of breast. Last evaluated: 2024-01-11. Review status: criteria provided, single submitter. Criteria: Myriad Autosomal Dominant, Autosomal Recessive and X-Linked Classification Criteria (2023). Collection method: clinical testing. Allele origin: unknown.
Comment: This variant is considered pathogenic. This variant creates a frameshift predicted to result in premature protein truncation.

Baylor Genetics
Classification: Pathogenic for Familial cancer of breast. Last evaluated: 2023-05-02. Review status: criteria provided, single submitter. Criteria: ACMG Guidelines, 2015. Collection method: clinical testing. Allele origin: unknown.

Color Diagnostics, LLC DBA Color Health
Classification: Pathogenic for Hereditary cancer-predisposing syndrome. Last evaluated: 2022-12-22. Review status: criteria provided, single submitter. Criteria: ACMG Guidelines, 2015. Collection method: clinical testing. Allele origin: germline.
Comment: This variant inserts 1 nucleotide in exon 8 of the ATM gene, creating a frameshift and premature translation stop signal. This variant is expected to result in an absent or non-functional protein product. To our knowledge, this variant has not been reported in individuals affected with ATM-related disorders in the literature. This variant has not been identified in the general population by the Genome Aggregation Database (gnomAD). Loss of ATM function is a known mechanism of disease. Based on the available evidence, this variant is classified as Pathogenic.

GeneDx
Classification: Pathogenic. Last evaluated: 2018-11-05. Review status: criteria provided, single submitter. Criteria: GeneDx Variant Classification (06012015). Collection method: clinical testing. Allele origin: germline. Affected: yes.
Comment: This duplication of one nucleotide in ATM is denoted c.1053dupT at the cDNA level and p.Ile352TyrfsX7 (I352YfsX7) at the protein level. The normal sequence, with the base that is duplicated in brackets, is CAGA[dupT]ATCT. The duplication causes a frameshift which changes an Isoleucine to a Tyrosine at codon 352, and creates a premature stop codon at position 7 of the new reading frame. This variant is predicted to cause loss of normal protein function through either protein truncation or nonsense-mediated mRNA decay. ATM c.1053dupT has been identified in at least one individual referred for hereditary cancer testing (LaDuca 2017). Based on currently available evidence, we consider this duplication to be a pathogenic variant.

Literature cited by the submitters: PubMed 23807571 (cited by Labcorp Genetics (formerly Invitae), Labcorp); PubMed 25614872 (cited by Labcorp Genetics (formerly Invitae), Labcorp).